The following is an entry in ClinVar:

NM_001127222.2(CACNA1A):c.4662C>G (p.Phe1554Leu)

Gene: CACNA1A (calcium voltage-gated channel subunit alpha1 A; minus strand). Cytogenetic location: 19p13.13.
Variant type: single nucleotide variant.
Coding change: c.4662C>G on transcript NM_001127222.2 (MANE Select); coding-DNA position 4662, C replaced by G.
Protein change: p.Phe1554Leu; replaces phenylalanine 1554 with leucine.
Molecular consequence: missense variant.
Genome position (GRCh38, 1-based): chr19:13,255,188, G>C on the plus strand (C>G on the coding strand, the complement: CACNA1A is on the minus strand). VCF-style: chr19-13255188-G-C. GRCh37 (hg19) VCF-style: chr19-13366002-G-C.
Other names: c.4674C>G, p.Phe1558Leu (NM_000068.4, NM_023035.3); c.4665C>G, p.Phe1555Leu (NM_001127221.2, NM_001174080.2); short protein forms F1555L, F1554L, F1558L.
Identifiers: ClinVar variation 383814 (VCV000383814.17), dbSNP rs182161386, ClinGen allele CA9239969.

ClinVar aggregate classification (germline): Conflicting classifications of pathogenicity. Review status: criteria provided, conflicting classifications (1 of 4 stars). 3 submissions from 3 submitters: Uncertain significance (2); Likely benign (1). Last evaluated 2025-08-09.

Conditions:
Episodic ataxia type 2 (EA2). Also called: ATAXIA, EPISODIC, WITH NYSTAGMUS; ATAXIA, FAMILIAL PAROXYSMAL; CEREBELLAR ATAXIA, PAROXYSMAL, ACETAZOLAMIDE-RESPONSIVE; CEREBELLOPATHY, HEREDITARY PAROXYSMAL; EPISODIC ATAXIA, NYSTAGMUS-ASSOCIATED; ACETAZOLAMIDE-RESPONSIVE HEREDITARY PAROXYSMAL CEREBELLAR ATAXIA. Identifiers: Orphanet 97, MedGen C1720416, MONDO:0007163, OMIM 108500.
Developmental and epileptic encephalopathy, 42 (DEE42A). Also called: Epileptic encephalopathy, early infantile, 42; DEVELOPMENTAL AND EPILEPTIC ENCEPHALOPATHY 42A; EPILEPTIC ENCEPHALOPATHY, EARLY INFANTILE, 42A. Identifiers: MedGen C4310716, MONDO:0014917, OMIM 617106.
Inborn genetic diseases. Identifiers: MedGen C0950123, MeSH D030342.

Allele frequency attached by ClinVar (database versions not stated): gnomAD exomes 0.00001; ExAC 0.00002; gnomAD 0.00002; TOPMed 0.00004; 1000 Genomes Project 30x 0.00016; 1000 Genomes Project 0.00020.
gnomAD v4.1: 7 of 1,613,714 alleles (0.00043%); highest among the groups gnomAD compares: African/African-American, 0.0053%; no homozygotes.

Submissions (3):

Ambry Genetics
Classification: Uncertain significance for Inborn genetic diseases. Last evaluated: 2025-08-09. Review status: criteria provided, single submitter. Criteria: Ambry Variant Classification Scheme 2023. Collection method: clinical testing. Allele origin: germline.

Labcorp Genetics (formerly Invitae), Labcorp
Classification: Likely benign for Developmental and epileptic encephalopathy, 42; Episodic ataxia type 2. Last evaluated: 2025-06-15. Review status: criteria provided, single submitter. Criteria: Invitae Variant Classification Sherloc (09022015). Collection method: clinical testing. Allele origin: germline.

GeneDx
Classification: Uncertain significance. Last evaluated: 2024-08-20. Review status: criteria provided, single submitter. Criteria: GeneDx Variant Classification Process June 2021. Collection method: clinical testing. Allele origin: germline. Affected: yes.
Comment: In silico analysis supports that this missense variant has a deleterious effect on protein structure/function; Has not been previously published as pathogenic or benign to our knowledge